The following is an entry in ClinVar:

ClinVar aggregate classification (germline): Benign (0 of 4 stars; one submission).

Conditions:
PARD3-related disorder. Also called: PARD3-related condition.

Allele frequency attached by ClinVar (database versions not stated): 1000 Genomes Project 30x 0.00890; 1000 Genomes Project 0.00919; ExAC 0.01821; gnomAD 0.01838; TOPMed 0.01885; ESP Exome Variant Server 0.02007; gnomAD exomes 0.02231.
gnomAD v4.1: 35,406 of 1,613,572 alleles (2.2%); highest among the groups gnomAD compares: Middle Eastern, 2.7%; 473 homozygotes.

Submission:

PreventionGenetics, part of Exact Sciences
Classification: Benign for PARD3-related condition. Last evaluated: 2019-08-21. Review status: no assertion criteria provided. Collection method: clinical testing. Allele origin: germline.
Comment: This variant is classified as benign based on ACMG/AMP sequence variant interpretation guidelines (Richards et al. 2015 PMID: 25741868, with internal and published modifications).

NM_001184785.2(PARD3):c.1749C>G (p.Thr583=)

Gene: PARD3 (par-3 family cell polarity regulator; minus strand). Cytogenetic location: 10p11.21.
Variant type: single nucleotide variant.
Coding change: c.1749C>G on transcript NM_001184785.2 (MANE Select); coding-DNA position 1749, C replaced by G.
Protein change: p.Thr583=; no amino-acid change (threonine 583 retained).
Molecular consequence: synonymous variant.
Genome position (GRCh38, 1-based): chr10:34,360,218, G>C on the plus strand (C>G on the coding strand, the complement: PARD3 is on the minus strand). VCF-style: chr10-34360218-G-C. GRCh37 (hg19) VCF-style: chr10-34649146-G-C.
Other names: c.1710C>G, p.Thr570= (NM_001184786.2, NM_001184788.2, NM_001184789.2 and 1 more transcripts); c.1749C>G, p.Thr583= (NM_001184787.2, NM_001184792.2, NM_001184793.2 and 1 more transcripts); c.1578C>G, p.Thr526= (NM_001184790.2, NM_001184791.2).
Identifiers: ClinVar variation 3038178 (VCV003038178.2), dbSNP rs61735565, ClinGen allele CA5467810.